The following is an entry in ClinVar:

NM_004370.6(COL12A1):c.9109C>T (p.Pro3037Ser)

Gene: COL12A1 (collagen type XII alpha 1 chain; minus strand). Cytogenetic location: 6q13.
Variant type: single nucleotide variant.
Coding change: c.9109C>T on transcript NM_004370.6 (MANE Select); coding-DNA position 9109, C replaced by T.
Protein change: p.Pro3037Ser; replaces proline 3037 with serine.
Molecular consequence: missense variant.
Genome position (GRCh38, 1-based): chr6:75,087,649, G>A on the plus strand (C>T on the coding strand, the complement: COL12A1 is on the minus strand). VCF-style: chr6-75087649-G-A. GRCh37 (hg19) VCF-style: chr6-75797365-G-A.
Other names: c.5617C>T, p.Pro1873Ser (NM_080645.3); short protein forms P1873S, P3037S.
Identifiers: ClinVar variation 1721994 (VCV001721994.6), dbSNP rs201412621, ClinGen allele CA364732852.

ClinVar aggregate classification (germline): Uncertain significance (1 of 4 stars; one submission).

Conditions:
Ullrich congenital muscular dystrophy 2 (UCMD2). Identifiers: Orphanet 75840, MedGen C4225314, MONDO:0014654, OMIM 616470.
Bethlem myopathy 2 (BTHLM2). Identifiers: Orphanet 536516, Orphanet 610, MedGen C4225313, MONDO:0034022, OMIM 616471.

Submission:

Labcorp Genetics (formerly Invitae), Labcorp
Classification: Uncertain significance for Bethlem myopathy 2; Ullrich congenital muscular dystrophy 2. Last evaluated: 2024-05-26. Review status: criteria provided, single submitter. Criteria: Invitae Variant Classification Sherloc (09022015). Collection method: clinical testing. Allele origin: germline.
Comment: This sequence change replaces proline, which is neutral and non-polar, with serine, which is neutral and polar, at codon 3037 of the COL12A1 protein (p.Pro3037Ser). This variant is not present in population databases (gnomAD no frequency). This variant has not been reported in the literature in individuals affected with COL12A1-related conditions. ClinVar contains an entry for this variant (Variation ID: 1721994). An algorithm developed to predict the effect of missense changes on protein structure and function (PolyPhen-2) suggests that this variant is likely to be disruptive. In summary, the available evidence is currently insufficient to determine the role of this variant in disease. Therefore, it has been classified as a Variant of Uncertain Significance.